The following is an entry in ClinVar:

ClinVar aggregate classification (germline): Uncertain significance (1 of 4 stars; one submission).

gnomAD v4.1: 2 of 1,613,922 alleles (0.00012%); highest among the groups gnomAD compares: African/African-American, 0.0013%; no homozygotes.

Submission:

Labcorp Genetics (formerly Invitae), Labcorp
Classification: Uncertain significance. Last evaluated: 2024-07-22. Review status: criteria provided, single submitter. Criteria: Invitae Variant Classification Sherloc (09022015). Collection method: clinical testing. Allele origin: germline.
Comment: This sequence change replaces proline, which is neutral and non-polar, with arginine, which is basic and polar, at codon 1031 of the KANK1 protein (p.Pro1031Arg). This variant is not present in population databases (gnomAD no frequency). This variant has not been reported in the literature in individuals affected with KANK1-related conditions. An algorithm developed to predict the effect of missense changes on protein structure and function (PolyPhen-2) suggests that this variant is likely to be tolerated. In summary, the available evidence is currently insufficient to determine the role of this variant in disease. Therefore, it has been classified as a Variant of Uncertain Significance.

NM_015158.5(KANK1):c.3092C>G (p.Pro1031Arg)

Gene: KANK1 (KN motif and ankyrin repeat domains 1; plus strand). Cytogenetic location: 9p24.3.
Variant type: single nucleotide variant.
Coding change: c.3092C>G on transcript NM_015158.5 (MANE Select); coding-DNA position 3092, C replaced by G.
Protein change: p.Pro1031Arg; replaces proline 1031 with arginine.
Molecular consequence: missense variant. On other transcripts: intron variant (5).
Genome position (GRCh38, 1-based): chr9:732,464, C>G. VCF-style: chr9-732464-C-G. GRCh37 (hg19) VCF-style: chr9-732464-C-G.
Other names: c.2477+1198C>G (NM_001354336.2); c.2531+1198C>G (NM_001354339.2, NM_001354343.2, NM_001354342.2); c.2618C>G, p.Pro873Arg (NM_153186.6, NM_001354333.2, NM_001354335.2 and 2 more transcripts); c.3005+1198C>G (NM_001354331.2); c.3092C>G, p.Pro1031Arg (NM_001256876.3, NM_001256877.3, NM_001354334.2); c.3038C>G, p.Pro1013Arg (NM_001354332.2); c.2564C>G, p.Pro855Arg (NM_001354338.2, NM_001354340.2, NM_001354344.2); short protein forms P1013R, P1031R, P855R, P873R.
Identifiers: ClinVar variation 3645809 (VCV003645809.2).